The following is an entry in ClinVar:

NM_000089.4(COL1A2):c.3625G>A (p.Glu1209Lys)

Gene: COL1A2 (collagen type I alpha 2 chain; plus strand). Cytogenetic location: 7q21.3.
Variant type: single nucleotide variant.
Coding change: c.3625G>A on transcript NM_000089.4 (MANE Select); coding-DNA position 3625, G replaced by A.
Protein change: p.Glu1209Lys; replaces glutamic acid 1209 with lysine.
Molecular consequence: missense variant.
Genome position (GRCh38, 1-based): chr7:94,428,391, G>A. VCF-style: chr7-94428391-G-A. GRCh37 (hg19) VCF-style: chr7-94057703-G-A.
Other names: short protein forms E1209K.
Identifiers: ClinVar variation 77032 (VCV000077032.10), dbSNP rs267601644, ClinGen allele CA162941632.

ClinVar aggregate classification (germline): Uncertain significance (1 of 4 stars; one submission).

Conditions:
Ehlers-Danlos syndrome, classic type, 1 (EDSCL1). Also called: Ehlers-Danlos Syndrome, Classic Type, COL5A1-Related; EHLERS-DANLOS SYNDROME, GRAVIS TYPE; EHLERS-DANLOS SYNDROME, SEVERE CLASSIC TYPE; Ehlers-Danlos syndrome, type 1; EDS I. Identifiers: MedGen C0268335, MONDO:0019567, OMIM 130000.
Osteogenesis imperfecta type I (OI1). Also called: OI, TYPE I; OSTEOGENESIS IMPERFECTA TARDA; OSTEOGENESIS IMPERFECTA WITH BLUE SCLERAE; Classic Non-deforming Osteogenesis Imperfecta with Blue Sclerae; Lobstein disease; Lobstein's Disease. Identifiers: Orphanet 216796, Orphanet 666, MedGen C0023931, MONDO:0008146, OMIM 166200. Disease mechanism: loss of function.

Submission:

Labcorp Genetics (formerly Invitae), Labcorp
Classification: Uncertain significance for Osteogenesis imperfecta type I; Ehlers-Danlos syndrome, classic type, 1. Last evaluated: 2018-12-03. Review status: criteria provided, single submitter. Criteria: Invitae Variant Classification Sherloc (09022015). Collection method: clinical testing. Allele origin: germline.
Comment: In summary, the available evidence is currently insufficient to determine the role of this variant in disease. Therefore, it has been classified as a Variant of Uncertain Significance. Algorithms developed to predict the effect of missense changes on protein structure and function are either unavailable or do not agree on the potential impact of this missense change (SIFT: "Tolerated"; PolyPhen-2: "Not Available"; Align-GVGD: "Class C0"). This variant has not been reported in the literature in individuals with COL1A2-related conditions. This variant is not present in population databases (ExAC no frequency). This sequence change replaces glutamic acid with lysine at codon 1209 of the COL1A2 protein (p.Glu1209Lys). The glutamic acid residue is moderately conserved and there is a small physicochemical difference between glutamic acid and lysine.